The following is an entry in ClinVar:

ClinVar aggregate classification (germline): Uncertain significance. Review status: criteria provided, multiple submitters, no conflicts (2 of 4 stars). 2 submissions from 2 submitters: Uncertain significance (2). Last evaluated 2024-11-11.

Conditions:
Inborn genetic diseases. Identifiers: MedGen C0950123, MeSH D030342.

Allele frequency attached by ClinVar (database versions not stated): gnomAD 0.00002; gnomAD exomes 0.00001; TOPMed 0.00003; ExAC 0.00004; ESP Exome Variant Server 0.00008.
gnomAD v4.1: 52 of 1,598,274 alleles (0.0033%); highest among the groups gnomAD compares: Middle Eastern, 0.016%; no homozygotes.

Submissions (2):

Labcorp Genetics (formerly Invitae), Labcorp
Classification: Uncertain significance. Last evaluated: 2024-11-11. Review status: criteria provided, single submitter. Criteria: Invitae Variant Classification Sherloc (09022015). Collection method: clinical testing. Allele origin: germline.
Comment: This sequence change replaces arginine, which is basic and polar, with glutamine, which is neutral and polar, at codon 515 of the GPR179 protein (p.Arg515Gln). This variant is present in population databases (rs369293710, gnomAD 0.02%). This variant has not been reported in the literature in individuals affected with GPR179-related conditions. ClinVar contains an entry for this variant (Variation ID: 1465707). An algorithm developed to predict the effect of missense changes on protein structure and function outputs the following: PolyPhen-2: "Benign". The glutamine amino acid residue is found in multiple mammalian species, which suggests that this missense change does not adversely affect protein function. In summary, the available evidence is currently insufficient to determine the role of this variant in disease. Therefore, it has been classified as a Variant of Uncertain Significance.

Ambry Genetics
Classification: Uncertain significance for Inborn genetic diseases. Last evaluated: 2021-07-06. Review status: criteria provided, single submitter. Criteria: Ambry Variant Classification Scheme 2023. Collection method: clinical testing. Allele origin: germline.

NM_001004334.4(GPR179):c.1544G>A (p.Arg515Gln)

Gene: GPR179 (G protein-coupled receptor 179; minus strand). Cytogenetic location: 17q12.
Variant type: single nucleotide variant.
Coding change: c.1544G>A on transcript NM_001004334.4 (MANE Select); coding-DNA position 1544, G replaced by A.
Protein change: p.Arg515Gln; replaces arginine 515 with glutamine.
Molecular consequence: missense variant.
Genome position (GRCh38, 1-based): chr17:38,335,134, C>T on the plus strand (G>A on the coding strand, the complement: GPR179 is on the minus strand). VCF-style: chr17-38335134-C-T. GRCh37 (hg19) VCF-style: chr17-36491017-C-T.
Other names: c.1544G>A (NM_001004334.2); short protein forms R515Q.
Identifiers: ClinVar variation 1465707 (VCV001465707.8), dbSNP rs369293710, ClinGen allele CA290108650.